The following is an entry in ClinVar:

NM_012433.4(SF3B1):c.2098A>G (p.Lys700Glu)

Gene: SF3B1 (splicing factor 3b subunit 1; minus strand). Cytogenetic location: 2q33.1.
Variant type: single nucleotide variant.
Coding change: c.2098A>G on transcript NM_012433.4 (MANE Select); coding-DNA position 2098, A replaced by G.
Protein change: p.Lys700Glu; replaces lysine 700 with glutamic acid.
Molecular consequence: missense variant.
Genome position (GRCh38, 1-based): chr2:197,402,110, T>C on the plus strand (A>G on the coding strand, the complement: SF3B1 is on the minus strand). VCF-style: chr2-197402110-T-C. GRCh37 (hg19) VCF-style: chr2-198266834-T-C.
Other names: c.2098A>G (NM_012433.3); short protein forms K700E.
Identifiers: ClinVar variation 376004 (VCV000376004.39), dbSNP rs559063155, ClinGen allele CA2042597.

ClinVar aggregate classification (germline): Conflicting classifications of pathogenicity. Review status: criteria provided, conflicting classifications (1 of 4 stars). 5 submissions from 5 submitters: Likely pathogenic (2); Uncertain significance (2). 1 of the submissions does not count toward it. Last evaluated 2025-10-15.
ClinVar aggregate classification (oncogenicity): Oncogenic. Review status: criteria provided, multiple submitters, no conflicts (2 of 4 stars). 2 submissions from 2 submitters. Last evaluated 2026-10-16.

Conditions:
Myelodysplastic syndrome (MDS). Also called: MYELODYSPLASTIC SYNDROME, SUSCEPTIBILITY TO; Myelodysplastic syndromes; Myelodysplastic syndrome, somatic. Identifiers: Orphanet 52688, MedGen C3463824, MeSH D009190, MONDO:0018881, OMIM 614286.
Chronic myeloid leukemia. Also called: Chronic myelogenous leukemia, BCR-ABL1 positive; Chronic myelogenous leukemia. Identifiers: Orphanet 521, MedGen C0279543, MeSH D015464, MONDO:0011996, OMIM 608232, HP:0005506.
SF3B1-related disorder. Also called: SF3B1-related condition.
Neoplasm. Also called: tumor; Neoplasms; Neoplasm (disease). Identifiers: MedGen C0027651, MeSH D009369, MONDO:0005070, HP:0002664.
Acute myeloid leukemia (AML). Also called: Acute myeloid leukemia, adult; AML adult; Acute non-lymphocytic leukemia; Acute granulocytic leukemia; Leukemia, acute myeloid, somatic; Leukemia, acute myelogenous, somatic. Identifiers: Orphanet 519, MedGen C0023467, MeSH D015470, MONDO:0018874, OMIM 601626, HP:0004808. Disease mechanism: Constitutively activated FLT3.

Allele frequency attached by ClinVar (database versions not stated): gnomAD 0.00004; gnomAD exomes 0.00005 and 0.00009; 1000 Genomes Project 0.00020; ExAC 0.00021.
gnomAD v4.1: 72 of 1,604,090 alleles (0.0045%); highest among the groups gnomAD compares: Non-Finnish European, 0.0051%; no homozygotes.

Submissions (7):

Center for Virology of Infectious and Tropical Diseases (CVMIT), Mohammed V Military Teaching Hospital
Classification: Oncogenic for Acute myeloid leukemia. Last evaluated: 2026-10-16. Review status: criteria provided, single submitter. Criteria: ClinGen/CGC/VICC Guidelines for Oncogenicity, 2022. Collection method: research. Allele origin: somatic. Affected: yes. Observed: 1 variant allele.
Comment: SF3B1 p.Lys700Glu. Oncogenicity classified with the ClinGen/CGC/VICC SOP (Horak et al. 2022, PMID:35101336). Criteria applied: OS2: Sf3b1 K700E knock-in mice reproduce the aberrant 3' splice-site usage of human MDS (PMID:27604819); OS3: SF3B1 K700 hotspot (59 tumours; K700E in 57) (PMID:21995386); concordant in silico predictions (CADD 26.3, AlphaMissense likely pathogenic 0.9986, SIFT deleterious, PolyPhen probably damaging) (OP1); present in gnomAD v4 only at very low allele frequency (AF 4.5e-5), compatible with clonal hematopoiesis in controls (OP4). Total 10 points (Oncogenic). ClinVar at analysis (release 2022-07-09, used by Ion Reporter): Variation ID 376004, Likely pathogenic. Current record: ClinVar VCV000376004.37 (consulted 2026-10-29): germline classification Conflicting classifications of pathogenicity; somatic oncogenicity Oncogenic.

3billion
Classification: Uncertain significance for Myelodysplastic syndrome. Last evaluated: 2025-10-15. Review status: criteria provided, single submitter. Criteria: ACMG Guidelines, 2015. Collection method: clinical testing. Allele origin: germline. Affected: yes.
Comment: The variant is observed in the gnomAD v4.1.0 dataset (total allele frequency: 0.004%). Predicted Consequence/Location: Missense variant. Missense changes are a common disease-causing mechanism. In silico tool predictions suggest damaging effect of the variant on gene or gene product [REVEL: 0.62 (>=0.6, sensitivity 0.68 and specificity 0.92)]. The same nucleotide change resulting in the same amino acid change has been previously reported as pathogenic/likely pathogenic (ClinVar ID: VCV000376004). Therefore, this variant is classified as VUS according to the recommendation of ACMG/AMP guideline.

Center for Genomic Medicine, Rigshospitalet, Copenhagen University Hospital
Classification: Oncogenic for Neoplasm. Last evaluated: 2025-03-04. Review status: criteria provided, single submitter. Criteria: ClinGen/CGC/VICC Guidelines for Oncogenicity, 2022. Collection method: clinical testing. Allele origin: somatic. Affected: yes.

Genomic Medicine Center of Excellence, King Faisal Specialist Hospital and Research Centre
Classification: Likely pathogenic for Myelodysplastic syndrome. Last evaluated: 2024-12-19. Review status: criteria provided, single submitter. Criteria: ACMG Guidelines, 2015. Collection method: clinical testing. Allele origin: germline.

PreventionGenetics, part of Exact Sciences
Classification: Uncertain significance for SF3B1-related condition. Last evaluated: 2022-12-08. Review status: criteria provided, single submitter. Criteria: ACMG Guidelines, 2015. Collection method: clinical testing. Allele origin: germline.
Comment: The SF3B1 c.2098A>G variant is predicted to result in the amino acid substitution p.Lys700Glu. To our knowledge, this variant has not been reported in the literature in association with human disease. This variant is reported in 0.030% of alleles in individuals of Ashkenazi Jewish descent in gnomAD. At this time, the clinical significance of this variant is uncertain due to the absence of conclusive functional and genetic evidence.

CeGaT Center for Human Genetics Tuebingen
Classification: Likely pathogenic. Last evaluated: 2021-06-01. Review status: criteria provided, single submitter. Criteria: CeGaT Center For Human Genetics Tuebingen Variant Classification Criteria Version 2. Collection method: clinical testing. Allele origin: germline. Affected: yes. Observed: 1 variant allele.

Druker Lab, Oregon Health and Sciences University
Classification: Pathogenic for Chronic myeloid leukemia. Last evaluated: 2022-10-10. Review status: no assertion criteria provided. Collection method: clinical testing. Allele origin: somatic. Affected: yes. Not counted in ClinVar's aggregate classification.

Literature cited by the submitters: PubMed 27604819 (cited by Center for Virology of Infectious and Tropical Diseases (CVMIT), Mohammed V Military Teaching Hospital); PubMed 21995386 (cited by Center for Virology of Infectious and Tropical Diseases (CVMIT), Mohammed V Military Teaching Hospital); PubMed 31474574 (cited by Center for Genomic Medicine, Rigshospitalet, Copenhagen University Hospital); PubMed 26565915 (cited by Center for Genomic Medicine, Rigshospitalet, Copenhagen University Hospital); PubMed 27818134 (cited by Center for Genomic Medicine, Rigshospitalet, Copenhagen University Hospital); PubMed 32188705 (cited by Center for Genomic Medicine, Rigshospitalet, Copenhagen University Hospital).